The following is an entry in ClinVar:

ClinVar aggregate classification (germline): Uncertain significance (1 of 4 stars; one submission).

Conditions:
Hereditary cancer-predisposing syndrome. Also called: Hereditary Cancer Syndrome; Hereditary neoplastic syndrome; Neoplastic Syndromes, Hereditary; Tumor predisposition. Identifiers: Orphanet 140162, MedGen C0027672, MeSH D009386, MONDO:0015356.

gnomAD v4.1: 1 of 1,596,496 alleles (0.000063%); highest among the groups gnomAD compares: Non-Finnish European, 0.000086%; no homozygotes.

Submission:

Ambry Genetics
Classification: Uncertain significance for Hereditary cancer-predisposing syndrome. Last evaluated: 2023-04-06. Review status: criteria provided, single submitter. Criteria: Ambry Variant Classification Scheme 2023. Collection method: clinical testing. Allele origin: germline.
Comment: The p.I1986L variant (also known as c.5956A>C), located in coding exon 39 of the ATM gene, results from an A to C substitution at nucleotide position 5956. The isoleucine at codon 1986 is replaced by leucine, an amino acid with highly similar properties. This amino acid position is conserved. In addition, this alteration is predicted to be tolerated by in silico analysis. Since supporting evidence is limited at this time, the clinical significance of this alteration remains unclear.

NM_000051.4(ATM):c.5956A>C (p.Ile1986Leu)

Genes: ATM (ATM serine/threonine kinase; plus strand), C11orf65 (chromosome 11 open reading frame 65; minus strand). Cytogenetic location: 11q22.3.
Variant type: single nucleotide variant.
Coding change: c.5956A>C on transcript NM_000051.4 (MANE Select); coding-DNA position 5956, A replaced by C.
Protein change: p.Ile1986Leu; replaces isoleucine 1986 with leucine.
Molecular consequence: missense variant. On other transcripts: intron variant (2).
Genome position (GRCh38, 1-based): chr11:108,312,448, A>C. VCF-style: chr11-108312448-A-C. GRCh37 (hg19) VCF-style: chr11-108183175-A-C.
Other names: c.5956A>C, p.Ile1986Leu (NM_001351834.2); c.641-3377T>G (NM_001330368.2); c.*39-3377T>G (NM_001351110.2); short protein forms I1986L.
Identifiers: ClinVar variation 2568183 (VCV002568183.2), dbSNP rs876660935, ClinGen allele CA382548702.